The following is an entry in ClinVar:

NM_007118.4(TRIO):c.5777G>A (p.Arg1926His)

Gene: TRIO (trio Rho guanine nucleotide exchange factor; plus strand). Cytogenetic location: 5p15.2.
Variant type: single nucleotide variant.
Coding change: c.5777G>A on transcript NM_007118.4 (MANE Select); coding-DNA position 5777, G replaced by A.
Protein change: p.Arg1926His; replaces arginine 1926 with histidine.
Molecular consequence: missense variant. On other transcripts: non-coding transcript variant (1).
Genome position (GRCh38, 1-based): chr5:14,471,331, G>A. VCF-style: chr5-14471331-G-A. GRCh37 (hg19) VCF-style: chr5-14471440-G-A.
Other names: short protein forms R1926H.
Identifiers: ClinVar variation 1305694 (VCV001305694.2), dbSNP rs375877998, ClinGen allele CA3206857.

ClinVar aggregate classification (germline): Uncertain significance (1 of 4 stars; one submission).

Allele frequency attached by ClinVar (database versions not stated): ExAC 0.00001; gnomAD 0.00001; TOPMed 0.00001; ESP Exome Variant Server 0.00008.
gnomAD v4.1: 4 of 1,613,676 alleles (0.00025%); highest among the groups gnomAD compares: African/African-American, 0.0013%; no homozygotes.

Submission:

GeneDx
Classification: Uncertain significance. Last evaluated: 2019-05-09. Review status: criteria provided, single submitter. Criteria: GeneDx Variant Classification Process June 2021. Collection method: clinical testing. Allele origin: germline. Affected: yes.
Comment: Not observed in large population cohorts (Lek et al., 2016); In silico analysis, which includes protein predictors and evolutionary conservation, supports that this variant does not alter protein structure/function; Has not been previously published as pathogenic or benign to our knowledge